The following is an entry in ClinVar:

NM_018062.4(FANCL):c.759_762del (p.Phe253fs)

Gene: FANCL (FA complementation group L; minus strand). Cytogenetic location: 2p16.1.
Variant type: Microsatellite.
Coding change: c.759_762del on transcript NM_018062.4 (MANE Select); coding-DNA positions 759 to 762, 4 bases deleted (TCTT; older notation c.759_762delTCTT).
Protein change: p.Phe253fs; shifts the reading frame from phenylalanine 253.
Molecular consequence: frameshift variant.
Genome position (GRCh38, 1-based): chr2:58,163,447-58,163,450, AAGA deleted on the plus strand (TCTT on the coding strand, the reverse complement: FANCL is on the minus strand); deleting any 4 consecutive bases within chr2:58,163,447-58,163,455 gives the same sequence; the c. name uses the placement nearest the transcript's 3' end. VCF-style (leftmost placement, unchanged base first): chr2-58163446-CAAGA-C. GRCh37 (hg19) VCF-style: chr2-58390581-CAAGA-C.
Other names: c.769_772TTCT[1], p.Phe258Leufs (NM_001114636.2); c.804_807del, p.Phe268fs (NM_001374615.1); c.819_822del, p.Phe273fs (NM_001410792.1); c.759_762delTCTT (NM_018062.3); short protein forms F253fs, F258fs, F268fs, F273fs.
Identifiers: ClinVar variation 456247 (VCV000456247.8), dbSNP rs1553435610, ClinGen allele CA658655666.
Genomic context (GRCh38, chr2:58,163,446, plus strand): 5'-AGGATTTTATGACTCTATTAAAAAACGTTTAAATCTCAGATGTCATACCATGGTCAGCTC[CAAGA>C]AAGAAGCACTCAGGAAGCATAGTAGGATGCCTGGGGTCTACCTCTATATTTATGGAAACA-3'

ClinVar aggregate classification (germline): Pathogenic/Likely pathogenic. Review status: criteria provided, multiple submitters, no conflicts (2 of 4 stars). 2 submissions from 2 submitters: Pathogenic (1); Likely pathogenic (1). Last evaluated 2023-09-18.

Conditions:
Fanconi anemia (FA). Also called: Fanconi's anemia. Identifiers: Orphanet 84, MedGen C0015625, MeSH D005199, MONDO:0019391.
Fanconi anemia complementation group L (FANCL). Also called: FANCL-Related Fanconi Anemia. Identifiers: Orphanet 84, MedGen C3469528, MONDO:0013566, OMIM 614083.

Submissions (2):

Baylor Genetics
Classification: Likely pathogenic for Fanconi anemia complementation group L. Last evaluated: 2023-09-18. Review status: criteria provided, single submitter. Criteria: ACMG Guidelines, 2015. Collection method: clinical testing. Allele origin: unknown.

Labcorp Genetics (formerly Invitae), Labcorp
Classification: Pathogenic for Fanconi anemia. Last evaluated: 2017-02-16. Review status: criteria provided, single submitter. Criteria: Invitae Variant Classification Sherloc (09022015). Collection method: clinical testing. Allele origin: germline.
Comment: This sequence change deletes 4 nucleotides from exon 9 of the FANCL mRNA (c.759_762delTCTT), causing a frameshift at codon 253. This creates a premature translational stop signal (p.Phe253Leufs*7) and is expected to result in an absent or disrupted protein product. While this particular variant has not been reported in the literature, loss-of-function variants in FANCL are known to be pathogenic (PMID: 19405097, 23613520). For these reasons, this variant has been classified as Pathogenic.

Literature cited by the submitters: PubMed 19405097 (cited by Labcorp Genetics (formerly Invitae), Labcorp); PubMed 23613520 (cited by Labcorp Genetics (formerly Invitae), Labcorp).